The following is an entry in ClinVar:

NM_001379110.1(SLC9A6):c.-57+38G>A

Genes: SLC9A6 (solute carrier family 9 member A6; plus strand), LOC130068746 (ATAC-STARR-seq lymphoblastoid silent region 21025; plus strand). Cytogenetic location: Xq26.3.
Variant type: single nucleotide variant.
Coding change: c.-57+38G>A on transcript NM_001379110.1 (MANE Select); 38 bases into the intron after 57 bases upstream of the start codon, G replaced by A.
Molecular consequence: intron variant. On other transcripts: missense variant (2).
Genome position (GRCh38, 1-based): chrX:135,985,515, G>A. VCF-style: chrX-135985515-G-A. GRCh37 (hg19) VCF-style: chrX-135067674-G-A.
Other names: c.13G>A, p.Gly5Ser (NM_006359.3, NM_001042537.2); c.-35-109G>A (NM_001400909.1); c.-56-88G>A (NM_001400910.1, NM_001400911.1); c.-57+38G>A (NM_001177651.2, NM_001400913.1); c.-57+43G>A (NM_001400912.1, NM_001330652.2); short protein forms G5S.
Identifiers: ClinVar variation 1684097 (VCV001684097.3), dbSNP rs895044278, ClinGen allele CA336084216.

ClinVar aggregate classification (germline): Uncertain significance (1 of 4 stars; one submission).

Allele frequency attached by ClinVar (database versions not stated): gnomAD exomes below 0.00001.
gnomAD v4.1: 4 of 1,113,430 alleles (0.00036%); highest among the groups gnomAD compares: Non-Finnish European, 0.00047%; no homozygotes.

Submission:

GeneDx
Classification: Uncertain significance. Last evaluated: 2026-02-09. Review status: criteria provided, single submitter. Criteria: GeneDx Variant Classification Process June 2021. Collection method: clinical testing. Allele origin: germline. Affected: yes.
Comment: Not observed at significant frequency in large population cohorts (gnomAD); In silico analysis suggests that this missense variant does not alter protein structure/function; Has not been previously published as pathogenic or benign to our knowledge